The following is an entry in ClinVar:

ClinVar aggregate classification (germline): Uncertain significance (1 of 4 stars; one submission).

Conditions:
Hyperaldosteronism, familial, type IV (HALD4). Also called: FH IV; ALDOSTERONISM, PRIMARY, AND HYPERTENSION. Identifiers: Orphanet 642671, MedGen C4310756, MONDO:0014875, OMIM 617027.
Idiopathic generalized epilepsy. Also called: EIG; Generalised epilepsy. Identifiers: MedGen C0270850, MONDO:0005579, OMIM 600669.

Submission:

Labcorp Genetics (formerly Invitae), Labcorp
Classification: Uncertain significance for Idiopathic generalized epilepsy; Hyperaldosteronism, familial, type IV. Last evaluated: 2023-04-15. Review status: criteria provided, single submitter. Criteria: Invitae Variant Classification Sherloc (09022015). Collection method: clinical testing. Allele origin: germline.
Comment: This sequence change creates a premature translational stop signal (p.Ser2066*) in the CACNA1H gene. While this is not anticipated to result in nonsense mediated decay, it is expected to disrupt the last 288 amino acid(s) of the CACNA1H protein. This variant is not present in population databases (gnomAD no frequency). This variant has not been reported in the literature in individuals affected with CACNA1H-related conditions. In summary, the available evidence is currently insufficient to determine the role of this variant in disease. Therefore, it has been classified as a Variant of Uncertain Significance.

NM_021098.3(CACNA1H):c.6195_6196insT (p.Ser2066Ter)

Gene: CACNA1H (calcium voltage-gated channel subunit alpha1 H; plus strand). Cytogenetic location: 16p13.3.
Variant type: Insertion.
Coding change: c.6195_6196insT on transcript NM_021098.3 (MANE Select); coding-DNA positions 6195 to 6196, T inserted.
Protein change: p.Ser2066Ter; replaces serine 2066 with a stop codon.
Molecular consequence: nonsense.
Genome position: GRCh38 VCF-style: chr16-1220127-C-CT. GRCh37 (hg19) VCF-style: chr16-1270127-C-CT.
Other names: c.6177_6178insT, p.Ser2060Ter (NM_001005407.2); short protein forms S2060*, S2066*.
Identifiers: ClinVar variation 2932134 (VCV002932134.3), dbSNP rs1970365554, ClinGen allele CA2201520183.